The following is an entry in ClinVar:

ClinVar aggregate classification (germline): Uncertain significance. Review status: criteria provided, multiple submitters, no conflicts (2 of 4 stars). 3 submissions from 3 submitters: Uncertain significance (2). 1 of the submissions does not count toward it. Last evaluated 2025-06-11.

Conditions:
FIG4-related disorder. Also called: FIG4-related disorders; FIG4-related condition.
Inborn genetic diseases. Identifiers: MedGen C0950123, MeSH D030342.
Charcot-Marie-Tooth disease type 4. Also called: Charcot-Marie-Tooth disease, type IV; Charcot-Marie-Tooth, Type 4. Identifiers: Orphanet 64749, MedGen C4082197, MONDO:0018995.

Allele frequency attached by ClinVar (database versions not stated): gnomAD 0.00005; gnomAD exomes 0.00007 and 0.00017; TOPMed 0.00009; ExAC 0.00012.
gnomAD v4.1: 50 of 1,613,472 alleles (0.0031%); highest among the groups gnomAD compares: Admixed American, 0.083%; no homozygotes.

Submissions (3):

Ambry Genetics
Classification: Uncertain significance for Inborn genetic diseases. Last evaluated: 2025-06-11. Review status: criteria provided, single submitter. Criteria: Ambry Variant Classification Scheme 2023. Collection method: clinical testing. Allele origin: germline.

Labcorp Genetics (formerly Invitae), Labcorp
Classification: Uncertain significance for Charcot-Marie-Tooth disease type 4. Last evaluated: 2024-01-01. Review status: criteria provided, single submitter. Criteria: Invitae Variant Classification Sherloc (09022015). Collection method: clinical testing. Allele origin: germline.
Comment: This sequence change replaces glutamine, which is neutral and polar, with leucine, which is neutral and non-polar, at codon 195 of the FIG4 protein (p.Gln195Leu). This variant is present in population databases (rs749696803, gnomAD 0.1%). This variant has not been reported in the literature in individuals affected with FIG4-related conditions. ClinVar contains an entry for this variant (Variation ID: 543322). An algorithm developed to predict the effect of missense changes on protein structure and function (PolyPhen-2) suggests that this variant¬†is likely to be tolerated. In summary, the available evidence is currently insufficient to determine the role of this variant in disease. Therefore, it has been classified as a Variant of Uncertain Significance.

PreventionGenetics, part of Exact Sciences
Classification: Likely benign for FIG4-related condition. Last evaluated: 2022-12-22. Review status: no assertion criteria provided. Collection method: clinical testing. Allele origin: germline. Not counted in ClinVar's aggregate classification.
Comment: This variant is classified as likely benign based on ACMG/AMP sequence variant interpretation guidelines (Richards et al. 2015 PMID: 25741868, with internal and published modifications).

NM_014845.6(FIG4):c.584A>T (p.Gln195Leu)

Gene: FIG4 (FIG4 phosphoinositide 5-phosphatase; plus strand). Cytogenetic location: 6q21.
Variant type: single nucleotide variant.
Coding change: c.584A>T on transcript NM_014845.6 (MANE Select); coding-DNA position 584, A replaced by T.
Protein change: p.Gln195Leu; replaces glutamine 195 with leucine.
Molecular consequence: missense variant.
Genome position (GRCh38, 1-based): chr6:109,735,236, A>T. VCF-style: chr6-109735236-A-T. GRCh37 (hg19) VCF-style: chr6-110056439-A-T.
Other names: short protein forms Q195L.
Identifiers: ClinVar variation 543322 (VCV000543322.7), dbSNP rs749696803, ClinGen allele CA3955841.